The following is an entry in ClinVar:

ClinVar aggregate classification (germline): Uncertain significance (1 of 4 stars; one submission).

Submission:

Labcorp Genetics (formerly Invitae), Labcorp
Classification: Uncertain significance. Last evaluated: 2025-10-20. Review status: criteria provided, single submitter. Criteria: Invitae Variant Classification Sherloc (09022015). Collection method: clinical testing. Allele origin: germline.
Comment: This sequence change falls in intron 2 of the POLE gene. It does not directly change the encoded amino acid sequence of the POLE protein. It affects a nucleotide within the consensus splice site. This variant is not present in population databases (gnomAD no frequency). This variant has not been reported in the literature in individuals affected with POLE-related conditions. ClinVar contains an entry for this variant (Variation ID: 999607). Variants that disrupt the consensus splice site are a relatively common cause of aberrant splicing (PMID: 17576681, 9536098). Algorithms developed to predict the effect of sequence changes on RNA splicing suggest that this variant may disrupt the consensus splice site. In summary, the available evidence is currently insufficient to determine the role of this variant in disease. Therefore, it has been classified as a Variant of Uncertain Significance.

Literature cited by the submitters: PubMed 17576681; PubMed 9536098.

NM_006231.4(POLE):c.204+6C>G

Gene: POLE (DNA polymerase epsilon, catalytic subunit; minus strand). Cytogenetic location: 12q24.33.
Variant type: single nucleotide variant.
Coding change: c.204+6C>G on transcript NM_006231.4 (MANE Select); 6 bases into the intron after coding-DNA position 204, C replaced by G.
Molecular consequence: intron variant.
Genome position (GRCh38, 1-based): chr12:132,681,132, G>C on the plus strand (C>G on the coding strand, the complement: POLE is on the minus strand). VCF-style: chr12-132681132-G-C. GRCh37 (hg19) VCF-style: chr12-133257718-G-C.
Identifiers: ClinVar variation 999607 (VCV000999607.8), dbSNP rs1555230386, ClinGen allele CA2073005725.